The following is an entry in ClinVar:

NM_001349206.2(LPIN1):c.2605A>G (p.Lys869Glu)

Gene: LPIN1 (lipin 1; plus strand). Cytogenetic location: 2p25.1.
Variant type: single nucleotide variant.
Coding change: c.2605A>G on transcript NM_001349206.2 (MANE Select); coding-DNA position 2605, A replaced by G.
Protein change: p.Lys869Glu; replaces lysine 869 with glutamic acid.
Molecular consequence: missense variant. On other transcripts: non-coding transcript variant (1).
Genome position (GRCh38, 1-based): chr2:11,820,498, A>G. VCF-style: chr2-11820498-A-G. GRCh37 (hg19) VCF-style: chr2-11960624-A-G.
Other names: c.2515A>G, p.Lys839Glu (NM_001261427.3); c.2752A>G, p.Lys918Glu (NM_001261428.3); c.2497A>G, p.Lys833Glu (NM_001349199.2, NM_145693.4); c.2575A>G, p.Lys859Glu (NM_001349200.2, NM_001349201.2); c.2602A>G, p.Lys868Glu (NM_001349202.2, NM_001349203.2); c.2605A>G, p.Lys869Glu (NM_001349204.2, NM_001349205.2); c.2695A>G, p.Lys899Glu (NM_001349207.2); c.2644A>G, p.Lys882Glu (NM_001349208.2); short protein forms K859E, K882E, K918E, K899E, K839E, K868E, K833E, K869E.
Identifiers: ClinVar variation 2150760 (VCV002150760.5), dbSNP rs888706604, ClinGen allele CA42593246.

ClinVar aggregate classification (germline): Uncertain significance. Review status: criteria provided, multiple submitters, no conflicts (2 of 4 stars). 2 submissions from 2 submitters: Uncertain significance (2). Last evaluated 2025-01-15.

Conditions:
Myoglobinuria, acute recurrent, autosomal recessive. Also called: MYOGLOBINURIA, FAMILIAL PAROXYSMAL PARALYTIC; RHABDOMYOLYSIS, ACUTE RECURRENT; Myoglobinuria, recurrent, autosomal recessive. Identifiers: Orphanet 99845, MedGen C1849386, MONDO:0009992, OMIM 268200.

Allele frequency attached by ClinVar (database versions not stated): gnomAD exomes below 0.00001; gnomAD 0.00002; TOPMed 0.00003.
gnomAD v4.1: 8 of 1,610,238 alleles (0.0005%); highest among the groups gnomAD compares: African/African-American, 0.0053%; no homozygotes.

Submissions (2):

Labcorp Genetics (formerly Invitae), Labcorp
Classification: Uncertain significance. Last evaluated: 2025-01-15. Review status: criteria provided, single submitter. Criteria: Invitae Variant Classification Sherloc (09022015). Collection method: clinical testing. Allele origin: germline.
Comment: This sequence change replaces lysine, which is basic and polar, with glutamic acid, which is acidic and polar, at codon 833 of the LPIN1 protein (p.Lys833Glu). This variant is present in population databases (no rsID available, gnomAD 0.003%). This variant has not been reported in the literature in individuals affected with LPIN1-related conditions. ClinVar contains an entry for this variant (Variation ID: 2150760). Invitae Evidence Modeling of protein sequence and biophysical properties (such as structural, functional, and spatial information, amino acid conservation, physicochemical variation, residue mobility, and thermodynamic stability) indicates that this missense variant is expected to disrupt LPIN1 protein function with a positive predictive value of 80%. In summary, the available evidence is currently insufficient to determine the role of this variant in disease. Therefore, it has been classified as a Variant of Uncertain Significance.

Fulgent Genetics
Classification: Uncertain significance for Myoglobinuria, acute recurrent, autosomal recessive. Last evaluated: 2024-02-22. Review status: criteria provided, single submitter. Criteria: ACMG Guidelines, 2015. Collection method: clinical testing. Allele origin: germline.